The following is an entry in ClinVar:

NM_000321.3(RB1):c.2489+4T>C

Gene: RB1 (RB transcriptional corepressor 1; plus strand). Cytogenetic location: 13q14.2.
Variant type: single nucleotide variant.
Coding change: c.2489+4T>C on transcript NM_000321.3 (MANE Select); 4 bases into the intron after coding-DNA position 2489, T replaced by C.
Molecular consequence: intron variant.
Genome position (GRCh38, 1-based): chr13:48,465,372, T>C. VCF-style: chr13-48465372-T-C. GRCh37 (hg19) VCF-style: chr13-49039508-T-C.
Identifiers: ClinVar variation 1792026 (VCV001792026.5), dbSNP rs2138346333, ClinGen allele CA2580087710.

ClinVar aggregate classification (germline): Uncertain significance. Review status: criteria provided, multiple submitters, no conflicts (2 of 4 stars). 2 submissions from 2 submitters: Uncertain significance (2). Last evaluated 2024-02-27.

Conditions:
Hereditary cancer-predisposing syndrome. Also called: Hereditary Cancer Syndrome; Hereditary neoplastic syndrome; Tumor predisposition; Neoplastic Syndromes, Hereditary. Identifiers: Orphanet 140162, MedGen C0027672, MeSH D009386, MONDO:0015356.
Retinoblastoma (RB1). Also called: RETINOBLASTOMA, SOMATIC. Identifiers: Orphanet 790, MedGen C0035335, MeSH D012175, MONDO:0008380, OMIM 180200, HP:0009919. Disease mechanism: loss of function. Inheritance: Both sporadic and heritable forms are tested..

Allele frequency attached by ClinVar (database versions not stated): gnomAD exomes below 0.00001.
gnomAD v4.1: 4 of 1,592,608 alleles (0.00025%); highest among the groups gnomAD compares: African/African-American, 0.0013%; no homozygotes.

Submissions (2):

Ambry Genetics
Classification: Uncertain significance for Hereditary cancer-predisposing syndrome. Last evaluated: 2024-02-27. Review status: criteria provided, single submitter. Criteria: Ambry Variant Classification Scheme 2023. Collection method: clinical testing. Allele origin: germline.
Comment: The c.2489+4T>C intronic variant results from a T to C substitution 4 nucleotides after coding exon 23 in the RB1 gene. This nucleotide position is not well conserved in available vertebrate species. In silico splice site analysis predicts that this alteration will not have any significant effect on splicing. Based on the available evidence, the clinical significance of this alteration remains unclear.

Labcorp Genetics (formerly Invitae), Labcorp
Classification: Uncertain significance for Retinoblastoma. Last evaluated: 2023-12-12. Review status: criteria provided, single submitter. Criteria: Invitae Variant Classification Sherloc (09022015). Collection method: clinical testing. Allele origin: germline.
Comment: This sequence change falls in intron 23 of the RB1 gene. It does not directly change the encoded amino acid sequence of the RB1 protein. It affects a nucleotide within the consensus splice site. This variant is not present in population databases (gnomAD no frequency). This variant has not been reported in the literature in individuals affected with RB1-related conditions. ClinVar contains an entry for this variant (Variation ID: 1792026). Variants that disrupt the consensus splice site are a relatively common cause of aberrant splicing (PMID: 17576681, 9536098). Algorithms developed to predict the effect of sequence changes on RNA splicing suggest that this variant is not likely to affect RNA splicing. In summary, the available evidence is currently insufficient to determine the role of this variant in disease. Therefore, it has been classified as a Variant of Uncertain Significance.

Literature cited by the submitters: PubMed 17576681 (cited by Labcorp Genetics (formerly Invitae), Labcorp); PubMed 9536098 (cited by Labcorp Genetics (formerly Invitae), Labcorp).